The following is an entry in ClinVar:

ClinVar aggregate classification (germline): Pathogenic (1 of 4 stars; one submission).

Submission:

Labcorp Genetics (formerly Invitae), Labcorp
Classification: Pathogenic. Last evaluated: 2023-12-02. Review status: criteria provided, single submitter. Criteria: Invitae Variant Classification Sherloc (09022015). Collection method: clinical testing. Allele origin: germline.
Comment: This variant is a gross deletion of the genomic region encompassing exon(s) 10-12 of the CDH3 gene. This deletion is out-of-frame, and is expected to create a premature termination codon and result in an absent or disrupted protein product. Loss-of-function variants in CDH3 are known to be pathogenic (PMID: 15805154, 27386845, 29620724). This variant has not been reported in the literature in individuals affected with CDH3-related conditions. For these reasons, this variant has been classified as Pathogenic.

Literature cited by the submitters: PubMed 15805154; PubMed 27386845; PubMed 29620724.

NC_000016.9:g.(?_68718466)_(68721659_?)del

Gene: CDH3 (cadherin 3; plus strand). Cytogenetic location: 16q22.1.
Variant type: Deletion.
Identifiers: ClinVar variation 2424243 (VCV002424243.4).